The following is an entry in ClinVar:

ClinVar aggregate classification (germline): Uncertain significance (1 of 4 stars; one submission).

Submission:

Labcorp Genetics (formerly Invitae), Labcorp
Classification: Uncertain significance. Last evaluated: 2024-07-01. Review status: criteria provided, single submitter. Criteria: Invitae Variant Classification Sherloc (09022015). Collection method: clinical testing. Allele origin: germline.
Comment: This sequence change replaces glycine, which is neutral and non-polar, with glutamic acid, which is acidic and polar, at codon 2255 of the CACNA1E protein (p.Gly2255Glu). This variant is not present in population databases (gnomAD no frequency). This variant has not been reported in the literature in individuals affected with CACNA1E-related conditions. ClinVar contains an entry for this variant (Variation ID: 2098940). Advanced modeling of protein sequence and biophysical properties (such as structural, functional, and spatial information, amino acid conservation, physicochemical variation, residue mobility, and thermodynamic stability) performed at Invitae indicates that this missense variant is not expected to disrupt CACNA1E protein function with a negative predictive value of 95%. In summary, the available evidence is currently insufficient to determine the role of this variant in disease. Therefore, it has been classified as a Variant of Uncertain Significance.

NM_001205293.3(CACNA1E):c.6893G>A (p.Gly2298Glu)

Gene: CACNA1E (calcium voltage-gated channel subunit alpha1 E; plus strand). Cytogenetic location: 1q25.3.
Variant type: single nucleotide variant.
Coding change: c.6893G>A on transcript NM_001205293.3 (MANE Select); coding-DNA position 6893, G replaced by A.
Protein change: p.Gly2298Glu; replaces glycine 2298 with glutamic acid.
Molecular consequence: missense variant.
Genome position (GRCh38, 1-based): chr1:181,798,785, G>A. VCF-style: chr1-181798785-G-A. GRCh37 (hg19) VCF-style: chr1-181767921-G-A.
Other names: c.6764G>A, p.Gly2255Glu (NM_000721.4); c.6707G>A, p.Gly2236Glu (NM_001205294.2); short protein forms G2236E, G2255E, G2298E.
Identifiers: ClinVar variation 2098940 (VCV002098940.4), dbSNP rs2525536625, ClinGen allele CA343845849.